The following is an entry in ClinVar:

ClinVar aggregate classification (germline): Uncertain significance. Review status: criteria provided, multiple submitters, no conflicts (2 of 4 stars). 2 submissions from 2 submitters: Uncertain significance (2). Last evaluated 2025-07-03.

Conditions:
Familial thoracic aortic aneurysm and aortic dissection (TAAD). Also called: Thoracic aortic aneurysms and dissections. Identifiers: Orphanet 91387, MedGen C4707243, MONDO:0019625.
Aortic aneurysm, familial thoracic 4 (AAT4). Also called: AORTIC ANEURYSM/AORTIC DISSECTION AND PATENT DUCTUS ARTERIOSUS. Identifiers: MedGen C1851504, MONDO:0007568, OMIM 132900.

Submissions (2):

Ambry Genetics
Classification: Uncertain significance for Familial thoracic aortic aneurysm and aortic dissection. Last evaluated: 2025-07-03. Review status: criteria provided, single submitter. Criteria: Ambry Variant Classification Scheme 2023. Collection method: clinical testing. Allele origin: germline.
Comment: The p.E1091Q variant (also known as c.3271G>C), located in coding exon 24 of the MYH11 gene, results from a G to C substitution at nucleotide position 3271. The glutamic acid at codon 1091 is replaced by glutamine, an amino acid with highly similar properties. This amino acid position is conserved. In addition, the in silico prediction for this alteration is inconclusive. Based on the available evidence, the clinical significance of this variant remains unclear.

Labcorp Genetics (formerly Invitae), Labcorp
Classification: Uncertain significance for Aortic aneurysm, familial thoracic 4. Last evaluated: 2017-03-14. Review status: criteria provided, single submitter. Criteria: Invitae Variant Classification Sherloc (09022015). Collection method: clinical testing. Allele origin: germline.
Comment: In summary, this variant is a novel missense change with uncertain impact on protein function. It has been classified as a Variant of Uncertain Significance. Algorithms developed to predict the effect of missense changes on protein structure and function (SIFT, PolyPhen-2, Align-GVGD) all suggest that this variant is likely to be disruptive, but these predictions have not been confirmed by published functional studies. This variant is not present in population databases (ExAC no frequency) and has not been reported in the literature in individuals with a MYH11-related disease. This sequence change replaces glutamic acid with glutamine at codon 1098 of the MYH11 protein (p.Glu1098Gln). The glutamic acid residue is highly conserved and there is a small physicochemical difference between glutamic acid and glutamine.

NM_002474.3(MYH11):c.3271G>C (p.Glu1091Gln)

Gene: MYH11 (myosin heavy chain 11; minus strand). Cytogenetic location: 16p13.11.
Variant type: single nucleotide variant.
Coding change: c.3271G>C on transcript NM_002474.3 (MANE Select); coding-DNA position 3271, G replaced by C.
Protein change: p.Glu1091Gln; replaces glutamic acid 1091 with glutamine.
Molecular consequence: missense variant.
Genome position (GRCh38, 1-based): chr16:15,737,471, C>G on the plus strand (G>C on the coding strand, the complement: MYH11 is on the minus strand). VCF-style: chr16-15737471-C-G. GRCh37 (hg19) VCF-style: chr16-15831328-C-G.
Other names: c.3292G>C, p.Glu1098Gln (NM_001040113.2, NM_001040114.2); c.3271G>C, p.Glu1091Gln (NM_022844.3); c.3271G>C (NM_002474.2); short protein forms E1098Q, E1091Q.
Identifiers: ClinVar variation 465721 (VCV000465721.9), dbSNP rs201443445, ClinGen allele CA394862791.